The following is an entry in ClinVar:

NM_006766.5(KAT6A):c.4991_4993dup (p.Pro1664_Gln1665insPro)

Gene: KAT6A (lysine acetyltransferase 6A; minus strand). Cytogenetic location: 8p11.21.
Variant type: Duplication.
Coding change: c.4991_4993dup on transcript NM_006766.5 (MANE Select); coding-DNA positions 4991 to 4993, 3 bases duplicated (CAC; older notation c.4991_4993dupCAC).
Protein change: p.Pro1664_Gln1665insPro.
Molecular consequence: inframe insertion.
Genome position (GRCh38, 1-based): chr8:41,933,227-41,933,229, GTG duplicated on the plus strand (CAC on the coding strand, the reverse complement: KAT6A is on the minus strand); duplicating any 3 consecutive bases within chr8:41,933,227-41,933,230 gives the same sequence; the c. name uses the placement nearest the transcript's 3' end. VCF-style (leftmost placement, unchanged base first): chr8-41933226-T-TGTG. GRCh37 (hg19) VCF-style: chr8-41790744-T-TGTG.
Identifiers: ClinVar variation 4884007 (VCV004884007.2).
Genomic context (GRCh38, chr8:41,933,226, plus strand): 5'-GGCTGCGGCTGCTGTTGCGGCTGCTGCTGGGGTGGTGGAGGCTGTGGTGCTGGTTGTGGT[T>TGTG]GTGGCGGCGGCGGCTGTGGCTGCTGTGGAGGCGGTGGTGGCGGCTGCTGCTGCTGGTTAC-3'

ClinVar aggregate classification (germline): Uncertain significance (1 of 4 stars; one submission).

Conditions:
Autosomal dominant intellectual disability-craniofacial anomalies-cardiac defects syndrome (ARTHS). Also called: Arboleda-Tham syndrome; Mental retardation, autosomal dominant 32; KAT6A syndrome. Identifiers: Orphanet 457193, MedGen C4225396, MONDO:0014558, OMIM 616268.

Submission:

Dasa
Classification: Uncertain significance for Autosomal dominant intellectual disability-craniofacial anomalies-cardiac defects syndrome. Last evaluated: 2024-10-07. Review status: criteria provided, single submitter. Criteria: DASA Assertion Criteria. Collection method: clinical testing. Allele origin: germline.
Comment: NM_006766.5(KAT6A):c.4991_4993dup (p.Pro1664dup) is an in-frame duplication predicted to duplicate proline at protein position 1664 without shifting the reading frame. This variant is absent from population databases. The currently available literature and clinical evidence are not sufficient to establish a definitive association between this variant and the reported condition. Therefore, this variant is classified as a variant of uncertain significance.